The following is an entry in ClinVar:

ClinVar aggregate classification (germline): Likely pathogenic (1 of 4 stars; one submission).

Conditions:
Familial ovarian cancer. Identifiers: MedGen C5679802, MONDO:0016248.

gnomAD v4.1: 1 of 1,598,444 alleles (0.000063%); highest among the groups gnomAD compares: Non-Finnish European, 0.000086%; no homozygotes.

Submission:

Myriad Genetics, Inc.
Classification: Likely pathogenic for Familial ovarian cancer. Last evaluated: 2026-08-06. Review status: criteria provided, single submitter. Criteria: Myriad Autosomal Dominant, Autosomal Recessive and X-Linked Classification Criteria (2023). Collection method: clinical testing. Allele origin: unknown.
Comment: This variant is considered likely pathogenic. This variant occurs within a consensus splice junction and is predicted to result in abnormal mRNA splicing of either an out-of-frame exon or an in-frame exon necessary for protein stability and/or normal function.

NM_032043.3(BRIP1):c.919-1G>C

Gene: BRIP1 (BRCA1 interacting DNA helicase 1; minus strand). Cytogenetic location: 17q23.2.
Variant type: single nucleotide variant.
Coding change: c.919-1G>C on transcript NM_032043.3 (MANE Select); the canonical splice acceptor site of the intron before coding-DNA position 919, G replaced by C.
Molecular consequence: splice acceptor variant.
Genome position (GRCh38, 1-based): chr17:61,801,475, C>G on the plus strand (G>C on the coding strand, the complement: BRIP1 is on the minus strand). VCF-style: chr17-61801475-C-G. GRCh37 (hg19) VCF-style: chr17-59878836-C-G.
Identifiers: ClinVar variation 5042469 (VCV005042469.1).
Genomic context (GRCh38, chr17:61,801,475, plus strand): 5'-CTGTAATGTGTGCTGATCACTAATTTTATGAACTCCATGATAAAAATAGCAGGATTTTCC[C>G]TAGAAACAAATATGCATAACTGAAATGTGAACCAATATTAGCATAGAAGGAATAAAATAA-3'